The following is an entry in ClinVar:

NM_001160148.2(DDHD1):c.53GCG[7] (p.Gly21_Gly22dup)

Gene: DDHD1 (DDHD domain containing 1; minus strand). Cytogenetic location: 14q22.1.
Variant type: Microsatellite.
Coding change: c.53GCG[7] on transcript NM_001160148.2 (MANE Select); seven copies in a row of the 3-base unit GCG starting at c.53; the reference has five copies in a row; two copies, 6 bases duplicated.
Protein change: p.Gly21_Gly22dup.
Molecular consequence: inframe insertion.
Genome position (GRCh38, 1-based): chr14:53,153,032-53,153,037, CGCCGC duplicated on the plus strand (GCGGCG on the coding strand, the reverse complement: DDHD1 is on the minus strand); duplicating any 6 consecutive bases within chr14:53,153,032-53,153,047 gives the same sequence; the position shown is the placement nearest the transcript's 3' end. VCF-style (leftmost placement, unchanged base first): chr14-53153031-G-GCGCCGC. GRCh37 (hg19) VCF-style: chr14-53619749-G-GCGCCGC.
Other names: c.53GCG[7], p.Gly21_Gly22dup (NM_001160147.2, NM_030637.3).
Identifiers: ClinVar variation 1518284 (VCV001518284.5), dbSNP rs752119831, ClinGen allele CA7191595.

ClinVar aggregate classification (germline): Uncertain significance (1 of 4 stars; one submission).

Conditions:
Hereditary spastic paraplegia 28. Also called: Spastic paraplegia 28, autosomal recessive. Identifiers: Orphanet 101008, MedGen C1836295, MONDO:0012256, OMIM 609340.

Submission:

Labcorp Genetics (formerly Invitae), Labcorp
Classification: Uncertain significance for Hereditary spastic paraplegia 28. Last evaluated: 2022-01-14. Review status: criteria provided, single submitter. Criteria: Invitae Variant Classification Sherloc (09022015). Collection method: clinical testing. Allele origin: germline.
Comment: This variant, c.62_67dup, results in the insertion of 2 amino acid(s) of the DDHD1 protein (p.Gly21_Gly22dup), but otherwise preserves the integrity of the reading frame. This variant is present in population databases (rs755325105, gnomAD 0.1%). This variant has not been reported in the literature in individuals affected with DDHD1-related conditions. Experimental studies and prediction algorithms are not available or were not evaluated, and the functional significance of this variant is currently unknown. In summary, the available evidence is currently insufficient to determine the role of this variant in disease. Therefore, it has been classified as a Variant of Uncertain Significance.